The following is an entry in ClinVar:

ClinVar aggregate classification (germline): Conflicting classifications of pathogenicity. Review status: criteria provided, conflicting classifications (1 of 4 stars). 6 submissions from 5 submitters: Uncertain significance (3); Likely benign (2). 1 of the submissions does not count toward it. Last evaluated 2026-02-02.

Conditions:
Hereditary hyperinsulinism.
Transitory neonatal diabetes mellitus. Also called: Transient neonatal diabetes mellitus. Identifiers: MedGen C0342273, MONDO:0020525, HP:0008255.
Maturity-onset diabetes of the young (MODY). Also called: Maturity onset diabetes mellitus in young. Identifiers: Orphanet 552, MedGen C0342276, MONDO:0018911, HP:0004904.
ABCC8-related disorder.

Allele frequency attached by ClinVar (database versions not stated): gnomAD 0.00001 and 0.00013; TOPMed 0.00003; gnomAD exomes 0.00011 and 0.00022; ExAC 0.00056; 1000 Genomes Project 30x 0.00125; 1000 Genomes Project 0.00160.
gnomAD v4.1: 181 of 1,598,578 alleles (0.011%); highest among the groups gnomAD compares: South Asian, 0.17%; 2 homozygotes.

Submissions (6):

Labcorp Genetics (formerly Invitae), Labcorp
Classification: Likely benign. Last evaluated: 2026-02-02. Review status: criteria provided, single submitter. Criteria: Invitae Variant Classification Sherloc (09022015). Collection method: clinical testing. Allele origin: germline.

PreventionGenetics, part of Exact Sciences
Classification: Likely benign for ABCC8-related condition. Last evaluated: 2025-05-20. Review status: criteria provided, single submitter. Criteria: ACMG Guidelines, 2015. Collection method: clinical testing. Allele origin: germline.
Comment: This variant is classified as likely benign based on ACMG/AMP sequence variant interpretation guidelines (Richards et al. 2015 PMID: 25741868, with internal and published modifications).

ARUP Laboratories, Molecular Genetics and Genomics, ARUP Laboratories
Classification: Uncertain significance. Last evaluated: 2025-03-14. Review status: criteria provided, single submitter. Criteria: ARUP Molecular Germline Variant Investigation Process 2024. Collection method: clinical testing. Allele origin: germline.
Comment: The ABCC8 c.487G>A; p.Gly163Ser variant (rs574487898), to our knowledge, is not reported in the medical literature but is reported in ClinVar (Variation ID: 749718). This variant is found in the South Asian population with an allele frequency of 0.163% (44/26,990 alleles) in the Genome Aggregation Database (v2.1.1). Computational analyses are uncertain whether this variant is neutral or deleterious (REVEL: 0.281). Due to limited information, the significance of this variant is uncertain at this time.

Clinical Genomics, Uppaluri K&H Personalized Medicine Clinic
Classification: Uncertain significance for Maturity-onset diabetes of the young. Review status: criteria provided, single submitter. Criteria: K & H Uppaluri Personalized Medicine Clinic Variant Classification & Assertion Criteria_Updated V.1. Collection method: research. Allele origin: unknown. Inheritance: Somatic mutation.
Comment: Mutations in ABCC8 gene are associated with both neonatal diabetes mellitus as well as MODY. Patients with this mutation may have a better response to sulfonylureas. However, no sufficient evidence is found to ascertain the role of this particular variant ( rs574487898) in MODY yet.

Clinical Genomics, Uppaluri K&H Personalized Medicine Clinic
Classification: Uncertain significance for Transitory neonatal diabetes mellitus. Review status: criteria provided, single submitter. Criteria: K & H Uppaluri Personalized Medicine Clinic Variant Classification & Assertion Criteria_Updated V.1. Collection method: research. Allele origin: unknown. Inheritance: Somatic mutation.
Comment: Mutations in ABCC8 gene are associated with both neonatal diabetes mellitus as well as MODY. Patients with this mutation may have a better response to sulfonylureas. However, no sufficient evidence is found to ascertain the role of this particular variant ( rs574487898) in neonatal diabetes yet.

Natera, Inc.
Classification: Uncertain significance for Hereditary hyperinsulinism. Last evaluated: 2020-01-24. Review status: no assertion criteria provided. Collection method: clinical testing. Allele origin: germline. Not counted in ClinVar's aggregate classification.

Literature cited by the submitters: PubMed 16885549 (cited by Clinical Genomics, Uppaluri K&H Personalized Medicine Clinic); PubMed 27538677 (cited by Clinical Genomics, Uppaluri K&H Personalized Medicine Clinic); PubMed 21989597 (cited by Clinical Genomics, Uppaluri K&H Personalized Medicine Clinic); PubMed 18981553 (cited by Clinical Genomics, Uppaluri K&H Personalized Medicine Clinic); PubMed 32027066 (cited by Clinical Genomics, Uppaluri K&H Personalized Medicine Clinic); PubMed 16613899 (cited by Clinical Genomics, Uppaluri K&H Personalized Medicine Clinic); PubMed 18025408 (cited by Clinical Genomics, Uppaluri K&H Personalized Medicine Clinic); PubMed 32792356 (cited by Clinical Genomics, Uppaluri K&H Personalized Medicine Clinic).

NM_000352.6(ABCC8):c.487G>A (p.Gly163Ser)

Gene: ABCC8 (ATP binding cassette subfamily C member 8; minus strand). Cytogenetic location: 11p15.1.
Variant type: single nucleotide variant.
Coding change: c.487G>A on transcript NM_000352.6 (MANE Select); coding-DNA position 487, G replaced by A.
Protein change: p.Gly163Ser; replaces glycine 163 with serine.
Molecular consequence: missense variant. On other transcripts: non-coding transcript variant (1).
Genome position (GRCh38, 1-based): chr11:17,463,530, C>T on the plus strand (G>A on the coding strand, the complement: ABCC8 is on the minus strand). VCF-style: chr11-17463530-C-T. GRCh37 (hg19) VCF-style: chr11-17485077-C-T.
Other names: c.487G>A, p.Gly163Ser (NM_001287174.3, NM_001351295.2, NM_001351296.2 and 1 more transcripts); short protein forms G163S.
Identifiers: ClinVar variation 749718 (VCV000749718.16), dbSNP rs574487898, ClinGen allele CA5903863.